The following is an entry in ClinVar:

NM_198334.3(GANAB):c.124G>C (p.Glu42Gln)

Gene: GANAB (glucosidase II alpha subunit; minus strand). Cytogenetic location: 11q12.3.
Variant type: single nucleotide variant.
Coding change: c.124G>C on transcript NM_198334.3 (MANE Select); coding-DNA position 124, G replaced by C.
Protein change: p.Glu42Gln; replaces glutamic acid 42 with glutamine.
Molecular consequence: missense variant. On other transcripts: 5 prime UTR variant (5), intron variant (2).
Genome position (GRCh38, 1-based): chr11:62,639,646, C>G on the plus strand (G>C on the coding strand, the complement: GANAB is on the minus strand). VCF-style: chr11-62639646-C-G. GRCh37 (hg19) VCF-style: chr11-62407118-C-G.
Other names: c.124G>C (NM_198335.3); c.-59G>C (NM_001278194.2); c.-168G>C (NM_001329222.2); c.-164G>C (NM_001329223.2); c.-653G>C (NM_001329224.2, NM_001329225.2); c.124G>C, p.Glu42Gln (NM_198335.4); c.39-4646G>C (NM_001278193.2, NM_001278192.2); short protein forms E42Q.
Identifiers: ClinVar variation 3599909 (VCV003599909.2).

ClinVar aggregate classification (germline): Uncertain significance. Review status: criteria provided, multiple submitters, no conflicts (2 of 4 stars). 2 submissions from 2 submitters: Uncertain significance (2). Last evaluated 2024-10-17.

Conditions:
GANAB-related disorder. Also called: GANAB-related condition.
Polycystic kidney disease 3 with or without polycystic liver disease. Also called: Polycystic kidney disease 3; POLYCYSTIC KIDNEY DISEASE, ADULT, TYPE III; Polycystic Kidney and/or Polycystic Liver Disease 3. Identifiers: MedGen C3887964, MONDO:0010916, OMIM 600666.

gnomAD v4.1: 13 of 1,612,164 alleles (0.00081%); highest among the groups gnomAD compares: South Asian, 0.0011%; no homozygotes.

Submissions (2):

PreventionGenetics, part of Exact Sciences
Classification: Uncertain significance for GANAB-related condition. Last evaluated: 2024-10-17. Review status: criteria provided, single submitter. Criteria: ACMG Guidelines, 2015. Collection method: clinical testing. Allele origin: germline.
Comment: The GANAB c.124G>C variant is predicted to result in the amino acid substitution p.Glu42Gln. To our knowledge, this variant has not been reported in the literature or in a large population database (gnomAD), indicating this variant is rare. At this time, the clinical significance of this variant is uncertain due to the absence of conclusive functional and genetic evidence.

Fulgent Genetics
Classification: Uncertain significance for Polycystic kidney disease 3 with or without polycystic liver disease. Last evaluated: 2024-02-03. Review status: criteria provided, single submitter. Criteria: ACMG Guidelines, 2015. Collection method: clinical testing. Allele origin: germline.